The following is an entry in ClinVar:

NM_003738.5(PTCH2):c.3357+1G>A

Gene: PTCH2 (patched 2; minus strand). Cytogenetic location: 1p34.1.
Variant type: single nucleotide variant.
Coding change: c.3357+1G>A on transcript NM_003738.5 (MANE Select); the canonical splice donor site of the intron after coding-DNA position 3357, G replaced by A.
Molecular consequence: splice donor variant.
Genome position (GRCh38, 1-based): chr1:44,823,068, C>T on the plus strand (G>A on the coding strand, the complement: PTCH2 is on the minus strand). VCF-style: chr1-44823068-C-T. GRCh37 (hg19) VCF-style: chr1-45288740-C-T.
Other names: c.3357+1G>A (NM_001166292.2).
Identifiers: ClinVar variation 4881626 (VCV004881626.2).

ClinVar aggregate classification (germline): Uncertain significance (1 of 4 stars; one submission).

Submission:

Dasa
Classification: Uncertain significance. Last evaluated: 2025-11-17. Review status: criteria provided, single submitter. Criteria: DASA Assertion Criteria. Collection method: clinical testing. Allele origin: germline.
Comment: NM_003738.5(PTCH2):c.3357+1G>A affects a canonical splice site and is predicted to disrupt normal RNA splicing. This variant is absent from population databases. The currently available literature and clinical evidence are not sufficient to establish a definitive association between this variant and the reported condition. Therefore, this variant is classified as a variant of uncertain significance.